The following is an entry in ClinVar:

NM_183357.3(ADCY5):c.2916C>A (p.Asn972Lys)

Gene: ADCY5 (adenylate cyclase 5; minus strand). Cytogenetic location: 3q21.1.
Variant type: single nucleotide variant.
Coding change: c.2916C>A on transcript NM_183357.3 (MANE Select); coding-DNA position 2916, C replaced by A.
Protein change: p.Asn972Lys; replaces asparagine 972 with lysine.
Molecular consequence: missense variant.
Genome position (GRCh38, 1-based): chr3:123,297,367, G>T on the plus strand (C>A on the coding strand, the complement: ADCY5 is on the minus strand). VCF-style: chr3-123297367-G-T. GRCh37 (hg19) VCF-style: chr3-123016214-G-T.
Other names: c.1866C>A, p.Asn622Lys (NM_001199642.1); c.2916C>A, p.Asn972Lys (NM_001378259.1); c.2916C>A (NM_183357.2); short protein forms N972K, N622K.
Identifiers: ClinVar variation 594328 (VCV000594328.10), dbSNP rs1030351325, ClinGen allele CA354224511.

ClinVar aggregate classification (germline): Uncertain significance. Review status: criteria provided, multiple submitters, no conflicts (2 of 4 stars). 3 submissions from 3 submitters: Uncertain significance (3). Last evaluated 2025-01-29.

Conditions:
ADCY5-related disorder. Also called: ADCY5-related condition.

Allele frequency attached by ClinVar (database versions not stated): gnomAD exomes below 0.00001.
gnomAD v4.1: 10 of 1,614,004 alleles (0.00062%); highest among the groups gnomAD compares: Non-Finnish European, 0.00085%; no homozygotes.

Submissions (3):

PreventionGenetics, part of Exact Sciences
Classification: Uncertain significance for ADCY5-related condition. Last evaluated: 2025-01-29. Review status: criteria provided, single submitter. Criteria: ACMG Guidelines, 2015. Collection method: clinical testing. Allele origin: germline.
Comment: The ADCY5 c.2916C>A variant is predicted to result in the amino acid substitution p.Asn972Lys. To our knowledge, this variant has not been reported in the literature. This variant is reported in 0.00088% of alleles in individuals of European (Non-Finnish) descent in gnomAD. At this time, the clinical significance of this variant is uncertain due to the absence of conclusive functional and genetic evidence.

Labcorp Genetics (formerly Invitae), Labcorp
Classification: Uncertain significance. Last evaluated: 2022-08-13. Review status: criteria provided, single submitter. Criteria: Invitae Variant Classification Sherloc (09022015). Collection method: clinical testing. Allele origin: germline.
Comment: In summary, the available evidence is currently insufficient to determine the role of this variant in disease. Therefore, it has been classified as a Variant of Uncertain Significance. Advanced modeling of protein sequence and biophysical properties (such as structural, functional, and spatial information, amino acid conservation, physicochemical variation, residue mobility, and thermodynamic stability) performed at Invitae indicates that this missense variant is not expected to disrupt ADCY5 protein function. ClinVar contains an entry for this variant (Variation ID: 594328). This variant has not been reported in the literature in individuals affected with ADCY5-related conditions. The frequency data for this variant in the population databases is considered unreliable, as metrics indicate poor data quality at this position in the gnomAD database. This sequence change replaces asparagine, which is neutral and polar, with lysine, which is basic and polar, at codon 972 of the ADCY5 protein (p.Asn972Lys).

Eurofins Ntd Llc (ga)
Classification: Uncertain significance. Last evaluated: 2017-10-02. Review status: criteria provided, single submitter. Criteria: EGL Classification Definitions 2015. Collection method: clinical testing. Allele origin: germline. Observed: 1 variant allele, 1 heterozygote.